The following is an entry in ClinVar:

ClinVar aggregate classification (germline): Uncertain significance (1 of 4 stars; one submission).

Conditions:
Pyruvate dehydrogenase E3 deficiency (DLDD). Also called: DLD DEFICIENCY; E3 DEFICIENCY; MAPLE SYRUP URINE DISEASE, TYPE III; Dihydrolipoamide Dehydrogenase Deficiency; Lipoamide dehydrogenase deficiency, lactic acidosis due to; Lipoamide dehydrogenase deficiency. Identifiers: Orphanet 2394, Orphanet 765, MedGen C5574660, MONDO:0009529, OMIM 246900.

Allele frequency attached by ClinVar (database versions not stated): gnomAD exomes 0.00001 and 0.00003; ExAC 0.00002.
gnomAD v4.1: 16 of 1,613,076 alleles (0.00099%); highest among the groups gnomAD compares: South Asian, 0.017%; no homozygotes.

Submission:

Labcorp Genetics (formerly Invitae), Labcorp
Classification: Uncertain significance for Pyruvate dehydrogenase E3 deficiency. Last evaluated: 2023-11-06. Review status: criteria provided, single submitter. Criteria: Invitae Variant Classification Sherloc (09022015). Collection method: clinical testing. Allele origin: germline.
Comment: This sequence change replaces proline, which is neutral and non-polar, with arginine, which is basic and polar, at codon 31 of the DLD protein (p.Pro31Arg). This variant is present in population databases (rs776872575, gnomAD 0.02%). This variant has not been reported in the literature in individuals affected with DLD-related conditions. ClinVar contains an entry for this variant (Variation ID: 1416869). An algorithm developed to predict the effect of missense changes on protein structure and function (PolyPhen-2) suggests that this variant¬†is likely to be tolerated. In summary, the available evidence is currently insufficient to determine the role of this variant in disease. Therefore, it has been classified as a Variant of Uncertain Significance.

NM_000108.5(DLD):c.92C>G (p.Pro31Arg)

Gene: DLD (dihydrolipoamide dehydrogenase; plus strand). Cytogenetic location: 7q31.1.
Variant type: single nucleotide variant.
Coding change: c.92C>G on transcript NM_000108.5 (MANE Select); coding-DNA position 92, C replaced by G.
Protein change: p.Pro31Arg; replaces proline 31 with arginine.
Molecular consequence: missense variant. On other transcripts: 5 prime UTR variant (1).
Genome position (GRCh38, 1-based): chr7:107,893,252, C>G. VCF-style: chr7-107893252-C-G. GRCh37 (hg19) VCF-style: chr7-107533697-C-G.
Other names: c.-57C>G (NM_001289750.1); c.92C>G, p.Pro31Arg (NM_001289751.1, NM_001289752.1); short protein forms P31R.
Identifiers: ClinVar variation 1416869 (VCV001416869.4), dbSNP rs776872575, ClinGen allele CA4434350.